The following is an entry in ClinVar:

ClinVar aggregate classification (germline): Uncertain significance. Review status: criteria provided, multiple submitters, no conflicts (2 of 4 stars). 7 submissions from 7 submitters: Uncertain significance (7). Last evaluated 2026-07-06.

Conditions:
Familial thoracic aortic aneurysm and aortic dissection (TAAD). Also called: Thoracic aortic aneurysms and dissections. Identifiers: Orphanet 91387, MedGen C4707243, MONDO:0019625.
Aortic aneurysm, familial thoracic 4 (AAT4). Also called: AORTIC ANEURYSM/AORTIC DISSECTION AND PATENT DUCTUS ARTERIOSUS. Identifiers: MedGen C1851504, MONDO:0007568, OMIM 132900.

Allele frequency attached by ClinVar (database versions not stated): gnomAD exomes 0.00001.
gnomAD v4.1: 8 of 1,613,892 alleles (0.0005%); highest among the groups gnomAD compares: Middle Eastern, 0.033%; no homozygotes.

Submissions (7):

Ambry Genetics
Classification: Uncertain significance for Familial thoracic aortic aneurysm and aortic dissection. Last evaluated: 2026-07-06. Review status: criteria provided, single submitter. Criteria: Ambry Variant Classification Scheme 2023. Collection method: clinical testing. Allele origin: germline.
Comment: The p.K1082R variant (also known as c.3245A>G), located in coding exon 24 of the MYH11 gene, results from an A to G substitution at nucleotide position 3245. The lysine at codon 1082 is replaced by arginine, an amino acid with highly similar properties. This amino acid position is conserved. In addition, this alteration is predicted to be tolerated by in silico analysis. Based on the available evidence, the clinical significance of this variant remains unclear.

GeneDx
Classification: Uncertain significance. Last evaluated: 2025-01-13. Review status: criteria provided, single submitter. Criteria: GeneDx Variant Classification Process June 2021. Collection method: clinical testing. Allele origin: germline. Affected: yes.
Comment: Not observed at significant frequency in large population cohorts (gnomAD); In silico analysis indicates that this missense variant does not alter protein structure/function; Has not been previously published as pathogenic or benign to our knowledge

Labcorp Genetics (formerly Invitae), Labcorp
Classification: Uncertain significance for Aortic aneurysm, familial thoracic 4. Last evaluated: 2024-09-29. Review status: criteria provided, single submitter. Criteria: Invitae Variant Classification Sherloc (09022015). Collection method: clinical testing. Allele origin: germline.
Comment: This sequence change replaces lysine, which is basic and polar, with arginine, which is basic and polar, at codon 1089 of the MYH11 protein (p.Lys1089Arg). This variant is not present in population databases (gnomAD no frequency). This variant has not been reported in the literature in individuals affected with MYH11-related conditions. ClinVar contains an entry for this variant (Variation ID: 2149081). Invitae Evidence Modeling of protein sequence and biophysical properties (such as structural, functional, and spatial information, amino acid conservation, physicochemical variation, residue mobility, and thermodynamic stability) indicates that this missense variant is not expected to disrupt MYH11 protein function with a negative predictive value of 95%. In summary, the available evidence is currently insufficient to determine the role of this variant in disease. Therefore, it has been classified as a Variant of Uncertain Significance.

All of Us Research Program, National Institutes of Health
Classification: Uncertain significance for Familial thoracic aortic aneurysm and aortic dissection. Last evaluated: 2024-08-06. Review status: criteria provided, single submitter. Criteria: ACMG Guidelines, 2015. Collection method: clinical testing. Allele origin: germline. Inheritance: Autosomal dominant inheritance. Observed: 4 variant alleles, 4 heterozygotes.
Comment: This missense variant replaces lysine with arginine at codon 1089 of the MYH11 protein. Computational prediction suggests that this variant may not impact protein structure and function (internally defined REVEL score threshold <= 0.5, PMID: 27666373). To our knowledge, functional studies have not been reported for this variant. This variant has not been reported in individuals affected with MYH11-related disorders in the literature. This variant has not been identified in the general population by the Genome Aggregation Database (gnomAD). The available evidence is insufficient to determine the role of this variant in disease conclusively. Therefore, this variant is classified as a Variant of Uncertain Significance.

This study involves interpretation of variants in research participants for the purpose of population health screening. Participant phenotype was not available at the time of variant classification. Additional details can be found in publication PMID: 35346344, PMCID: PMC8962531

ARUP Laboratories, Molecular Genetics and Genomics, ARUP Laboratories
Classification: Uncertain significance. Last evaluated: 2024-05-07. Review status: criteria provided, single submitter. Criteria: ARUP Molecular Germline Variant Investigation Process 2024. Collection method: clinical testing. Allele origin: germline.
Comment: The MYH11 c.3245A>G; p.Lys1082Arg variant (rs2041154290), to our knowledge, is not reported in the medical literature but is reported in ClinVar (Variation ID: 2149081). This variant is absent from the Genome Aggregation Database (v2.1.1), indicating it is not a common polymorphism. Computational analyses are uncertain whether this variant is neutral or deleterious (REVEL: 0.271). Due to limited information, the clinical significance of this variant is uncertain at this time.

Color Diagnostics, LLC DBA Color Health
Classification: Uncertain significance for Familial thoracic aortic aneurysm and aortic dissection. Last evaluated: 2024-01-31. Review status: criteria provided, single submitter. Criteria: ACMG Guidelines, 2015. Collection method: clinical testing. Allele origin: germline.
Comment: This missense variant replaces lysine with arginine at codon 1089 of the MYH11 protein. Computational prediction suggests that this variant may not impact protein structure and function. To our knowledge, functional studies have not been reported for this variant. This variant has not been reported in individuals affected with MYH11-related disorders in the literature. This variant has not been identified in the general population by the Genome Aggregation Database (gnomAD). The available evidence is insufficient to determine the role of this variant in disease conclusively. Therefore, this variant is classified as a Variant of Uncertain Significance.

Revvity Omics, Revvity
Classification: Uncertain significance. Last evaluated: 2021-09-28. Review status: criteria provided, single submitter. Criteria: ACMG Guidelines, 2015. Collection method: clinical testing. Allele origin: germline.

NM_002474.3(MYH11):c.3245A>G (p.Lys1082Arg)

Gene: MYH11 (myosin heavy chain 11; minus strand). Cytogenetic location: 16p13.11.
Variant type: single nucleotide variant.
Coding change: c.3245A>G on transcript NM_002474.3 (MANE Select); coding-DNA position 3245, A replaced by G.
Protein change: p.Lys1082Arg; replaces lysine 1082 with arginine.
Molecular consequence: missense variant.
Genome position (GRCh38, 1-based): chr16:15,737,497, T>C on the plus strand (A>G on the coding strand, the complement: MYH11 is on the minus strand). VCF-style: chr16-15737497-T-C. GRCh37 (hg19) VCF-style: chr16-15831354-T-C.
Other names: c.3245A>G (NM_002474.2); c.3266A>G, p.Lys1089Arg (NM_001040113.2, NM_001040114.2); c.3245A>G, p.Lys1082Arg (NM_022844.3); short protein forms K1089R, K1082R.
Identifiers: ClinVar variation 2149081 (VCV002149081.12), dbSNP rs2041154290, ClinGen allele CA394862917.